The following is an entry in ClinVar:

ClinVar aggregate classification (germline): Pathogenic. Review status: criteria provided, multiple submitters, no conflicts (2 of 4 stars). 2 submissions from 2 submitters: Pathogenic (2). Last evaluated 2021-11-22.

Conditions:
Hereditary spastic paraplegia 2 (SPG2). Also called: Spastic Paraplegia 2 (SPG2); SPASTIC PARAPLEGIA 2, X-LINKED. Identifiers: Orphanet 99015, MedGen C0751604, MONDO:0010733, OMIM 312920.
Pelizaeus-Merzbacher disease. Also called: Sudanophilic leukodystrophy; Pelizaeus-Merzbacher Disease (PMD); Pelizaeus-Merzbacher spectrum disorder; Pelizeaus-Merzbacher spectrum disorder; LEUKODYSTROPHY, HYPOMYELINATING, 1. Identifiers: Orphanet 702, MedGen C0205711, MONDO:0010714, OMIM 312080, HP:0003269.

Submissions (2):

Molecular Diagnostics Lab, Nemours Children's Health, Delaware
Classification: Pathogenic for Pelizaeus-Merzbacher disease. Last evaluated: 2021-11-22. Review status: criteria provided, single submitter. Criteria: ACMG Guidelines, 2015. Collection method: clinical testing. Allele origin: unknown. Inheritance: X-linked inheritance. Affected: yes. Observed: 1 hemizygote.
Comment: This intronic variant (c.4+1delG) has not been observed in population databases (gnomAD). It has been described in the literature (PMID 9247276, PMID 18470932). The variant has been shown to segregate with disease in a large family, and studies indicate the deletion produces a null PLP1 allele with no protein expression.

Labcorp Genetics (formerly Invitae), Labcorp
Classification: Pathogenic for Hereditary spastic paraplegia 2. Last evaluated: 2018-08-30. Review status: criteria provided, single submitter. Criteria: Invitae Variant Classification Sherloc (09022015). Collection method: clinical testing. Allele origin: germline.
Comment: This variant has been observed to segregate with progressive, demyelinating peripheral neuropathy in a family (PMID: 9247276). This variant is also known as G-4 deletion. Donor and acceptor splice site variants typically lead to a loss of protein function (PMID: 16199547), and loss-of-function variants in PLP1 are known to be pathogenic (PMID: 18470932). Experimental evidence shows this variant results in a altered mRNA product that encodes a null allele (PMID: 9247276). For these reasons, this variant has been classified as Pathogenic. This variant is not present in population databases (ExAC no frequency). This sequence change affects a donor splice site in intron 1 of the PLP1 gene. It is expected to disrupt RNA splicing and likely results in an absent or disrupted protein product.

Literature cited by the submitters: PubMed 9247276 (cited by Molecular Diagnostics Lab, Nemours Children's Health, Delaware and Labcorp Genetics (formerly Invitae), Labcorp); PubMed 18470932 (cited by Molecular Diagnostics Lab, Nemours Children's Health, Delaware and Labcorp Genetics (formerly Invitae), Labcorp); PubMed 16199547 (cited by Labcorp Genetics (formerly Invitae), Labcorp).

NM_000533.5(PLP1):c.4+1del

Genes: PLP1 (proteolipid protein 1; plus strand), RAB9B (RAB9B, member RAS oncogene family; minus strand). Cytogenetic location: Xq22.2.
Variant type: Deletion.
Coding change: c.4+1del on transcript NM_000533.5 (MANE Select); the canonical splice donor site of the intron after coding-DNA position 4, one base deleted (G; older notation c.4+1delG).
Molecular consequence: splice donor variant, initiator codon variant.
Genome position (GRCh38, 1-based): chrX:103,777,000, G deleted; the last of 3 consecutive G bases (chrX:103,776,998-103,777,000); deleting any one gives the same sequence. VCF-style (leftmost placement, unchanged base first): chrX-103776997-TG-T. GRCh37 (hg19) VCF-style: chrX-103031925-TG-T.
Other names: c.4+1delG (NM_000533.4, NM_000533.5); c.4+1del (NM_001128834.3, NM_199478.3, NM_001305004.1).
Identifiers: ClinVar variation 654165 (VCV000654165.10), dbSNP rs1602373055, ClinGen allele CA915952358.